The following is an entry in ClinVar:

ClinVar aggregate classification (germline): Uncertain significance. Review status: criteria provided, single submitter (1 of 4 stars). 2 submissions from 2 submitters: Uncertain significance (1). 1 of the submissions does not count toward it. Last evaluated 2021-05-26.

Conditions:
CHARGE syndrome (CHARGE). Also called: Hittner Hirsch Kreh syndrome; CHARGE ASSOCIATION--COLOBOMA, HEART ANOMALY, CHOANAL ATRESIA, RETARDATION, GENITAL AND EAR ANOMALIES; Coloboma, heart anomaly, choanal atresia, retardation, genital and ear anomalies; CHARGE association; Hall-Hittner syndrome. Identifiers: Orphanet 138, MedGen C0265354, MONDO:0008965.

Submissions (2):

Labcorp Genetics (formerly Invitae), Labcorp
Classification: Uncertain significance for CHARGE syndrome. Last evaluated: 2021-05-26. Review status: criteria provided, single submitter. Criteria: Invitae Variant Classification Sherloc (09022015). Collection method: clinical testing. Allele origin: germline.
Comment: In summary, the available evidence is currently insufficient to determine the role of this variant in disease. Therefore, it has been classified as a Variant of Uncertain Significance. Advanced modeling of protein sequence and biophysical properties (such as structural, functional, and spatial information, amino acid conservation, physicochemical variation, residue mobility, and thermodynamic stability) performed at Invitae indicates that this missense variant is not expected to disrupt CHD7 protein function. This variant has not been reported in the literature in individuals with CHD7-related conditions. ClinVar contains an entry for this variant (Variation ID: 800744). This variant is not present in population databases (ExAC no frequency). This sequence change replaces glycine with arginine at codon 2915 of the CHD7 protein (p.Gly2915Arg). The glycine residue is highly conserved and there is a moderate physicochemical difference between glycine and arginine.

Biochemical Molecular Genetic Laboratory, King Abdulaziz Medical City
Classification: Uncertain significance for CHD7-related CHARGE syndrome. Last evaluated: 2019-01-29. Review status: no assertion criteria provided. Collection method: clinical testing. Allele origin: germline. Affected: yes. Not counted in ClinVar's aggregate classification.

NM_017780.4(CHD7):c.8743G>A (p.Gly2915Arg)

Gene: CHD7 (chromodomain helicase DNA binding protein 7; plus strand). Cytogenetic location: 8q12.2.
Variant type: single nucleotide variant.
Coding change: c.8743G>A on transcript NM_017780.4 (MANE Select); coding-DNA position 8743, G replaced by A.
Protein change: p.Gly2915Arg; replaces glycine 2915 with arginine.
Molecular consequence: missense variant.
Genome position (GRCh38, 1-based): chr8:60,865,682, G>A. VCF-style: chr8-60865682-G-A. GRCh37 (hg19) VCF-style: chr8-61778241-G-A.
Other names: c.2596G>A, p.Gly866Arg (NM_001316690.1); short protein forms G2915R, G866R.
Identifiers: ClinVar variation 800744 (VCV000800744.7), dbSNP rs1586468892, ClinGen allele CA371311418.